The following is an entry in ClinVar:

ClinVar aggregate classification (germline): Likely benign (0 of 4 stars; one submission).

Conditions:
CENPT-related disorder. Also called: CENPT-related condition.

Allele frequency attached by ClinVar (database versions not stated): gnomAD 0.00003; ExAC 0.00005.
gnomAD v4.1: 28 of 1,613,860 alleles (0.0017%); highest among the groups gnomAD compares: Admixed American, 0.017%; no homozygotes.

Submission:

PreventionGenetics, part of Exact Sciences
Classification: Likely benign for CENPT-related condition. Last evaluated: 2019-05-28. Review status: no assertion criteria provided. Collection method: clinical testing. Allele origin: germline.
Comment: This variant is classified as likely benign based on ACMG/AMP sequence variant interpretation guidelines (Richards et al. 2015 PMID: 25741868, with internal and published modifications).

NM_025082.4(CENPT):c.819C>T (p.Ala273=)

Gene: CENPT (centromere protein T; minus strand). Cytogenetic location: 16q22.1.
Variant type: single nucleotide variant.
Coding change: c.819C>T on transcript NM_025082.4 (MANE Select); coding-DNA position 819, C replaced by T.
Protein change: p.Ala273=; no amino-acid change (alanine 273 retained).
Molecular consequence: synonymous variant.
Genome position (GRCh38, 1-based): chr16:67,830,433, G>A on the plus strand (C>T on the coding strand, the complement: CENPT is on the minus strand). VCF-style: chr16-67830433-G-A. GRCh37 (hg19) VCF-style: chr16-67864336-G-A.
Identifiers: ClinVar variation 3044315 (VCV003044315.2), dbSNP rs747138104, ClinGen allele CA8117739.